The following is an entry in ClinVar:

NM_024675.4(PALB2):c.753G>C (p.Gln251His)

Gene: PALB2 (partner and localizer of BRCA2; minus strand). Cytogenetic location: 16p12.2.
Variant type: single nucleotide variant.
Coding change: c.753G>C on transcript NM_024675.4 (MANE Select); coding-DNA position 753, G replaced by C.
Protein change: p.Gln251His; replaces glutamine 251 with histidine.
Molecular consequence: missense variant.
Genome position (GRCh38, 1-based): chr16:23,635,793, C>G on the plus strand (G>C on the coding strand, the complement: PALB2 is on the minus strand). VCF-style: chr16-23635793-C-G. GRCh37 (hg19) VCF-style: chr16-23647114-C-G.
Other names: short protein forms Q251H.
Identifiers: ClinVar variation 216760 (VCV000216760.8), dbSNP rs863224791, ClinGen allele CA336475.

ClinVar aggregate classification (germline): Uncertain significance (1 of 4 stars; one submission).

Conditions:
Familial cancer of breast. Also called: Hereditary breast cancer; BREAST CANCER, FAMILIAL; hereditary breast carcinoma. Identifiers: Orphanet 227535, MedGen C0346153, MONDO:0016419, OMIM 114480. Disease mechanism: loss of function.

Submission:

Labcorp Genetics (formerly Invitae), Labcorp
Classification: Uncertain significance for Familial cancer of breast. Last evaluated: 2015-04-26. Review status: criteria provided, single submitter. Criteria: Invitae Variant Classification Sherloc (09022015). Collection method: clinical testing. Allele origin: germline.
Comment: This sequence change replaces glutamine with histidine at codon 251 of the PALB2 protein (p.Gln251His). The glutamine residue is weakly conserved and there is a small physicochemical difference between glutamine and histidine. Algorithms developed to predict the effect of missense changes on protein structure and function (SIFT, PolyPhen-2, Align-GVGD) all suggest that this variant is likely to be tolerated, but these predictions have not been confirmed by published functional studies. In summary, this is a novel missense change that is not predicted to affect protein function or cause disease. However the evidence is insufficient at this time to prove that conclusively. It has been classified as a Variant of Uncertain Significance. This variant has not been published in the literature and is not present in population databases.